The following is an entry in ClinVar:

NM_002226.5(JAG2):c.1791G>A (p.Met597Ile)

Gene: JAG2 (jagged canonical Notch ligand 2; minus strand). Cytogenetic location: 14q32.33.
Variant type: single nucleotide variant.
Coding change: c.1791G>A on transcript NM_002226.5 (MANE Select); coding-DNA position 1791, G replaced by A.
Protein change: p.Met597Ile; replaces methionine 597 with isoleucine.
Molecular consequence: missense variant.
Genome position (GRCh38, 1-based): chr14:105,149,052, C>T on the plus strand (G>A on the coding strand, the complement: JAG2 is on the minus strand). VCF-style: chr14-105149052-C-T. GRCh37 (hg19) VCF-style: chr14-105615389-C-T.
Other names: c.1791G>A (NM_002226.4); c.1677G>A, p.Met559Ile (NM_145159.3); short protein forms M559I, M597I.
Identifiers: ClinVar variation 3907513 (VCV003907513.2).
Genomic context (GRCh38, chr14:105,149,052, plus strand): 5'-CCCTGGCTGGCTGACGCAGCGTCCATGGGGGCCACACACGCCGGAGGCTGCTGTGCCAGG[C>T]ATCCCAGGCCCCGCGTCTGACCCGCAGCCATCGATCACTATGGCAGGCAGTACAGTCAGG-3'
Protein context (NP_002217.3, residues 587-607): DGCGSDAGPG[Met597Ile]PGTAASGVCG

ClinVar aggregate classification (germline): Uncertain significance. Review status: criteria provided, multiple submitters, no conflicts (2 of 4 stars). 2 submissions from 2 submitters: Uncertain significance (2). Last evaluated 2025-06-26.

Conditions:
JAG2-related disorder. Also called: JAG2-related condition.

Submissions (2):

Women's Health and Genetics/Laboratory Corporation of America, LabCorp
Classification: Uncertain significance. Last evaluated: 2025-06-26. Review status: criteria provided, single submitter. Criteria: LabCorp Variant Classification Summary - May 2015. Collection method: clinical testing. Allele origin: germline.
Comment: Variant summary: JAG2 c.1791G>A (p.Met597Ile) results in a conservative amino acid change in the encoded protein sequence. Algorithms developed to predict the effect of missense changes on protein structure and function all suggest that this variant is likely to be tolerated. The variant allele was found at a frequency of 0.00024 in 237148 control chromosomes. This frequency is not significantly higher than estimated for a pathogenic variant in JAG2 causing Muscular dystrophy, limb-girdle, autosomal recessive 27 (0.00024 vs 0.0011), allowing no conclusion about variant significance. To our knowledge, no occurrence of c.1791G>A in individuals affected with Muscular dystrophy, limb-girdle, autosomal recessive 27 and no experimental evidence demonstrating its impact on protein function have been reported. No submitters have cited clinical-significance assessments for this variant to ClinVar. Based on the evidence outlined above, the variant was classified as uncertain significance.

PreventionGenetics, part of Exact Sciences
Classification: Uncertain significance for JAG2-related condition. Last evaluated: 2025-02-08. Review status: criteria provided, single submitter. Criteria: ACMG Guidelines, 2015. Collection method: clinical testing. Allele origin: germline.
Comment: The JAG2 c.1791G>A variant is predicted to result in the amino acid substitution p.Met597Ile. This variant has been reported in an individual with bilateral cleft lip and palate (Vieira et al 2005. PubMed ID: 16327884, Table S2). This variant is reported in 0.046% of alleles in individuals of European (Non-Finnish) descent in gnomAD. At this time, the clinical significance of this variant is uncertain due to the absence of conclusive functional and genetic evidence.